The following is an entry in ClinVar:

NM_030962.4(SBF2):c.1958C>T (p.Ala653Val)

Genes: SBF2 (SET binding factor 2; minus strand), LOC101928008 (uncharacterized LOC101928008; plus strand). Cytogenetic location: 11p15.4.
Variant type: single nucleotide variant.
Coding change: c.1958C>T on transcript NM_030962.4 (MANE Select); coding-DNA position 1958, C replaced by T.
Protein change: p.Ala653Val; replaces alanine 653 with valine.
Molecular consequence: missense variant.
Genome position (GRCh38, 1-based): chr11:9,858,368, G>A on the plus strand (C>T on the coding strand, the complement: SBF2 is on the minus strand). VCF-style: chr11-9858368-G-A. GRCh37 (hg19) VCF-style: chr11-9879915-G-A.
Other names: c.1958C>T, p.Ala653Val (NM_001386339.1); c.1829C>T, p.Ala610Val (NM_001386342.1); short protein forms A610V, A653V.
Identifiers: ClinVar variation 1363222 (VCV001363222.4), dbSNP rs2134007178, ClinGen allele CA379642407.
Genomic context (GRCh38, chr11:9,858,368, plus strand): 5'-AAGGTTGTCTCCCAAAATTGCTGATTTGTCCAAATGGGGTGGTCTTGTACACACGTGTAA[G>A]CAAACTGGCTGACTCCAGGGGCAAGTTTCTGTGAGAACACACAAAATACATCATCATGGG-3'
Protein context (NP_112224.1, residues 643-663): RKLAPGVSQF[Ala653Val]YTCVQDHPIW

ClinVar aggregate classification (germline): Uncertain significance (1 of 4 stars; one submission).

Conditions:
Charcot-Marie-Tooth disease type 4. Also called: Charcot-Marie-Tooth disease, type IV; Charcot-Marie-Tooth, Type 4. Identifiers: Orphanet 64749, MedGen C4082197, MONDO:0018995.

Allele frequency attached by ClinVar (database versions not stated): gnomAD exomes below 0.00001.
gnomAD v4.1: 1 of 1,614,172 alleles (0.000062%); highest among the groups gnomAD compares: Non-Finnish European, 0.000085%; no homozygotes.

Submission:

Labcorp Genetics (formerly Invitae), Labcorp
Classification: Uncertain significance for Charcot-Marie-Tooth disease type 4. Last evaluated: 2022-07-19. Review status: criteria provided, single submitter. Criteria: Invitae Variant Classification Sherloc (09022015). Collection method: clinical testing. Allele origin: germline.
Comment: This sequence change replaces alanine, which is neutral and non-polar, with valine, which is neutral and non-polar, at codon 653 of the SBF2 protein (p.Ala653Val). This variant is not present in population databases (gnomAD no frequency). This variant has not been reported in the literature in individuals affected with SBF2-related conditions. ClinVar contains an entry for this variant (Variation ID: 1363222). Algorithms developed to predict the effect of missense changes on protein structure and function are either unavailable or do not agree on the potential impact of this missense change (SIFT: "Tolerated"; PolyPhen-2: "Probably Damaging"; Align-GVGD: "Class C0"). In summary, the available evidence is currently insufficient to determine the role of this variant in disease. Therefore, it has been classified as a Variant of Uncertain Significance.